The following is an entry in ClinVar:

ClinVar aggregate classification (germline): Uncertain significance (1 of 4 stars; one submission).

Conditions:
Inborn genetic diseases. Identifiers: MedGen C0950123, MeSH D030342.

Submission:

Ambry Genetics
Classification: Uncertain significance for Inborn genetic diseases. Last evaluated: 2024-03-09. Review status: criteria provided, single submitter. Criteria: Ambry Variant Classification Scheme 2023. Collection method: clinical testing. Allele origin: germline.
Comment: The p.N290H variant (also known as c.868A>C), located in coding exon 8 of the RAD51 gene, results from an A to C substitution at nucleotide position 868. The asparagine at codon 290 is replaced by histidine, an amino acid with similar properties. This amino acid position is conserved. In addition, this alteration is predicted to be tolerated by in silico analysis. Since supporting evidence is limited at this time, the clinical significance of this alteration remains unclear.

NM_002875.5(RAD51):c.868A>C (p.Asn290His)

Gene: RAD51 (RAD51 recombinase; plus strand). Cytogenetic location: 15q15.1.
Variant type: single nucleotide variant.
Coding change: c.868A>C on transcript NM_002875.5 (MANE Select); coding-DNA position 868, A replaced by C.
Protein change: p.Asn290His; replaces asparagine 290 with histidine.
Molecular consequence: missense variant. On other transcripts: intron variant (1).
Genome position (GRCh38, 1-based): chr15:40,729,946, A>C. VCF-style: chr15-40729946-A-C. GRCh37 (hg19) VCF-style: chr15-41022144-A-C.
Other names: c.871A>C, p.Asn291His (NM_001164269.2, NM_133487.4); c.774+312A>C (NM_001164270.2); short protein forms N290H, N291H.
Identifiers: ClinVar variation 1764300 (VCV001764300.2), dbSNP rs2504532058, ClinGen allele CA391760151.